The following is an entry in ClinVar:

ClinVar aggregate classification (germline): Uncertain significance (1 of 4 stars; one submission).

Conditions:
Schuurs-Hoeijmakers syndrome. Also called: PACS1-Related Neurodevelopmental Disorder. Identifiers: Orphanet 329224, MedGen C3554343, MONDO:0014006, OMIM 615009.

Allele frequency attached by ClinVar (database versions not stated): gnomAD exomes below 0.00001.
gnomAD v4.1: 3 of 1,614,172 alleles (0.00019%); highest among the groups gnomAD compares: South Asian, 0.0011%; no homozygotes.

Submission:

Labcorp Genetics (formerly Invitae), Labcorp
Classification: Uncertain significance for Schuurs-Hoeijmakers syndrome. Last evaluated: 2023-07-17. Review status: criteria provided, single submitter. Criteria: Invitae Variant Classification Sherloc (09022015). Collection method: clinical testing. Allele origin: germline.
Comment: In summary, the available evidence is currently insufficient to determine the role of this variant in disease. Therefore, it has been classified as a Variant of Uncertain Significance. Advanced modeling of protein sequence and biophysical properties (such as structural, functional, and spatial information, amino acid conservation, physicochemical variation, residue mobility, and thermodynamic stability) has been performed at Invitae for this missense variant, however the output from this modeling did not meet the statistical confidence thresholds required to predict the impact of this variant on PACS1 protein function. This variant has not been reported in the literature in individuals affected with PACS1-related conditions. This variant is present in population databases (no rsID available, gnomAD 0.003%). This sequence change replaces serine, which is neutral and polar, with leucine, which is neutral and non-polar, at codon 407 of the PACS1 protein (p.Ser407Leu).

NM_018026.4(PACS1):c.1220C>T (p.Ser407Leu)

Gene: PACS1 (phosphofurin acidic cluster sorting protein 1; plus strand). Cytogenetic location: 11q13.2.
Variant type: single nucleotide variant.
Coding change: c.1220C>T on transcript NM_018026.4 (MANE Select); coding-DNA position 1220, C replaced by T.
Protein change: p.Ser407Leu; replaces serine 407 with leucine.
Molecular consequence: missense variant.
Genome position (GRCh38, 1-based): chr11:66,221,174, C>T. VCF-style: chr11-66221174-C-T. GRCh37 (hg19) VCF-style: chr11-65988645-C-T.
Other names: short protein forms S407L.
Identifiers: ClinVar variation 2788513 (VCV002788513.3), dbSNP rs1341353510, ClinGen allele CA381359605.